The following is an entry in ClinVar:

NM_003072.5(SMARCA4):c.66T>C (p.Pro22=)

Gene: SMARCA4 (SWI/SNF related BAF chromatin remodeling complex subunit ATPase 4; plus strand). Cytogenetic location: 19p13.2.
Variant type: single nucleotide variant.
Coding change: c.66T>C on transcript NM_003072.5 (MANE Select); coding-DNA position 66, T replaced by C.
Protein change: p.Pro22=; no amino-acid change (proline 22 retained).
Molecular consequence: synonymous variant. On other transcripts: non-coding transcript variant (1).
Genome position (GRCh38, 1-based): chr19:10,984,217, T>C. VCF-style: chr19-10984217-T-C. GRCh37 (hg19) VCF-style: chr19-11094893-T-C.
Other names: c.66T>C, p.Pro22= (NM_001128844.3, NM_001128845.2, NM_001128846.2 and 5 more transcripts).
Identifiers: ClinVar variation 1585089 (VCV001585089.19), dbSNP rs2145722014, ClinGen allele CA505487137.

ClinVar aggregate classification (germline): Likely benign. Review status: criteria provided, multiple submitters, no conflicts (2 of 4 stars). 4 submissions from 4 submitters: Likely benign (4). Last evaluated 2025-08-11.

Conditions:
Hereditary cancer-predisposing syndrome. Also called: Neoplastic Syndromes, Hereditary; Hereditary neoplastic syndrome; Tumor predisposition; Hereditary Cancer Syndrome. Identifiers: Orphanet 140162, MedGen C0027672, MeSH D009386, MONDO:0015356.
Rhabdoid tumor predisposition syndrome 2 (RTPS2). Identifiers: Orphanet 231108, Orphanet 69077, MedGen C2750074, MONDO:0013224, OMIM 613325.

Allele frequency attached by ClinVar (database versions not stated): gnomAD exomes below 0.00001.
gnomAD v4.1: 2 of 1,612,174 alleles (0.00012%); highest among the groups gnomAD compares: South Asian, 0.0011%; no homozygotes.

Submissions (4):

Quest Diagnostics Nichols Institute San Juan Capistrano
Classification: Likely benign. Last evaluated: 2025-08-11. Review status: criteria provided, single submitter. Criteria: Quest Diagnostics criteria. Collection method: clinical testing. Allele origin: unknown.

CeGaT Center for Human Genetics Tuebingen
Classification: Likely benign. Last evaluated: 2025-08-01. Review status: criteria provided, single submitter. Criteria: CeGaT Center For Human Genetics Tuebingen Variant Classification Criteria Version 2. Collection method: clinical testing. Allele origin: germline. Affected: yes. Observed: 1 variant allele.
Comment: SMARCA4: BP4, BP7

Labcorp Genetics (formerly Invitae), Labcorp
Classification: Likely benign for Rhabdoid tumor predisposition syndrome 2. Last evaluated: 2022-05-24. Review status: criteria provided, single submitter. Criteria: Invitae Variant Classification Sherloc (09022015). Collection method: clinical testing. Allele origin: germline.

Ambry Genetics
Classification: Likely benign for Hereditary cancer-predisposing syndrome. Last evaluated: 2021-07-18. Review status: criteria provided, single submitter. Criteria: Ambry Variant Classification Scheme 2023. Collection method: clinical testing. Allele origin: germline.